The following is an entry in ClinVar:

NM_005702.4(ERAL1):c.598+4A>C

Genes: ERAL1 (Era like 12S mitochondrial rRNA chaperone 1; plus strand), LOC126862526 (BRD4-independent group 4 enhancer GRCh37_chr17:27185111-27186310; plus strand). Cytogenetic location: 17q11.2.
Variant type: single nucleotide variant.
Coding change: c.598+4A>C on transcript NM_005702.4 (MANE Select); 4 bases into the intron after coding-DNA position 598, A replaced by C.
Molecular consequence: intron variant.
Genome position (GRCh38, 1-based): chr17:28,858,211, A>C. VCF-style: chr17-28858211-A-C. GRCh37 (hg19) VCF-style: chr17-27185229-A-C.
Other names: c.598+4A>C (NM_001317986.2); c.595+4A>C (NM_001317985.2).
Identifiers: ClinVar variation 4977049 (VCV004977049.1).

ClinVar aggregate classification (germline): Uncertain significance (1 of 4 stars; one submission).

Conditions:
ERAL1-related disorder. Also called: ERAL1-related condition.

Submission:

PreventionGenetics, part of Exact Sciences
Classification: Uncertain significance for ERAL1-related condition. Last evaluated: 2026-05-06. Review status: criteria provided, single submitter. Criteria: ACMG Guidelines, 2015. Collection method: clinical testing. Allele origin: germline.
Comment: The ERAL1 c.598+4A>C variant is predicted to interfere with splicing. This variant is predicted to alter splicing based on available splicing prediction software (SpliceAI, Jaganathan et al. 2019. PubMed ID: 30661751). However, the use of computer prediction software is not equivalent to functional evidence.To our knowledge, this variant has not been reported in the literature. This variant is reported in 0.018% of alleles in individuals of African descent in gnomAD. At this time, the clinical significance of this variant is uncertain due to the absence of conclusive functional and genetic evidence.